The following is an entry in ClinVar:

ClinVar aggregate classification (germline): Uncertain significance (1 of 4 stars; one submission).

Submission:

GeneDx
Classification: Uncertain significance. Last evaluated: 2024-05-02. Review status: criteria provided, single submitter. Criteria: GeneDx Variant Classification Process June 2021. Collection method: clinical testing. Allele origin: germline. Affected: yes.
Comment: Not observed at significant frequency in large population cohorts (gnomAD); In silico analysis supports that this missense variant has a deleterious effect on protein structure/function; Has not been previously published as pathogenic or benign to our knowledge

NM_000937.5(POLR2A):c.1589G>A (p.Ser530Asn)

Gene: POLR2A (RNA polymerase II subunit A; plus strand). Cytogenetic location: 17p13.1.
Variant type: single nucleotide variant.
Coding change: c.1589G>A on transcript NM_000937.5 (MANE Select); coding-DNA position 1589, G replaced by A.
Protein change: p.Ser530Asn; replaces serine 530 with asparagine.
Molecular consequence: missense variant.
Genome position (GRCh38, 1-based): chr17:7,499,409, G>A. VCF-style: chr17-7499409-G-A. GRCh37 (hg19) VCF-style: chr17-7402728-G-A.
Other names: short protein forms S530N.
Identifiers: ClinVar variation 3376002 (VCV003376002.1).